The following is an entry in ClinVar:

ClinVar aggregate classification (germline): Pathogenic/Likely pathogenic. Review status: criteria provided, multiple submitters, no conflicts (2 of 4 stars). 2 submissions from 2 submitters: Pathogenic (1); Likely pathogenic (1). Last evaluated 2024-06-25.

Conditions:
Aortic aneurysm, familial thoracic 4 (AAT4). Also called: AORTIC ANEURYSM/AORTIC DISSECTION AND PATENT DUCTUS ARTERIOSUS. Identifiers: MedGen C1851504, MONDO:0007568, OMIM 132900.
Familial thoracic aortic aneurysm and aortic dissection (TAAD). Also called: Thoracic aortic aneurysms and dissections. Identifiers: Orphanet 91387, MedGen C4707243, MONDO:0019625.

Submissions (2):

Labcorp Genetics (formerly Invitae), Labcorp
Classification: Pathogenic for Aortic aneurysm, familial thoracic 4. Last evaluated: 2024-06-25. Review status: criteria provided, single submitter. Criteria: Invitae Variant Classification Sherloc (09022015). Collection method: clinical testing. Allele origin: germline.
Comment: This sequence change affects a donor splice site in intron 33 of the MYH11 gene. It is expected to disrupt RNA splicing. Variants that disrupt the donor or acceptor splice site typically lead to a loss of protein function (PMID: 16199547), however the current clinical and genetic evidence is not sufficient to establish whether loss-of-function variants in MYH11 cause disease. This variant is not present in population databases (gnomAD no frequency). Disruption of this splice site has been observed in individual(s) with thoracic aortic aneurysm and dissection and/or patent ductus arteriosus (PMID: 16444274, 21937134, 27418595, 27611364; Invitae). In at least one individual the variant was observed to be de novo. ClinVar contains an entry for this variant (Variation ID: 581749). Algorithms developed to predict the effect of sequence changes on RNA splicing suggest that this variant may disrupt the consensus splice site. For these reasons, this variant has been classified as Pathogenic.

Ambry Genetics
Classification: Likely pathogenic for Familial thoracic aortic aneurysm and aortic dissection. Last evaluated: 2020-07-02. Review status: criteria provided, single submitter. Criteria: Ambry Variant Classification Scheme 2023. Collection method: clinical testing. Allele origin: germline.
Comment: The c.4578+1G>C intronic variant results from a G to C substitution one nucleotide after coding exon 31 of the MYH11 gene. This nucleotide position is highly conserved in available vertebrate species. This variant has been detected in two individuals with thoracic aortic aneurysm and dissection (TAAD) (Ambry internal data; Invitae personal communication). Additional canonical variants at this splice site (also described as IVS32+1 and c.4599+1), including c.4578+1G>T, c.4578+1G>A, and c.4578delG, have been reported in individuals and families with TAAD and/or patent ductus arteriosus (PDA); RNA studies for variants c.4578+1G>T and c.4578+1delG showed splicing impact leads to in-frame loss of the coding exon (Zhu L et al. Nat. Genet., 2006 Mar;38:343-9; Renard M et al. Int. J. Cardiol., 2013 May;165:314-21; LaHaye S et al. Circ Cardiovasc Genet, 2016 Aug;9:320-9; Yang H et al. Sci Rep, 2016 09;6:33002). Using the BDGP and ESEfinder splice site prediction tools, this alteration is predicted to abolish the native splice donor site; however, direct evidence is unavailable. Alterations that disrupt the canonical splice site are expected to cause aberrant splicing, resulting in an abnormal protein or a transcript that is subject to nonsense-mediated mRNA decay. As such, this alteration is classified as likely pathogenic.

Literature cited by the submitters: PubMed 16199547 (cited by Labcorp Genetics (formerly Invitae), Labcorp); PubMed 16444274 (cited by Labcorp Genetics (formerly Invitae), Labcorp and Ambry Genetics); PubMed 21937134 (cited by Labcorp Genetics (formerly Invitae), Labcorp and Ambry Genetics); PubMed 27418595 (cited by Labcorp Genetics (formerly Invitae), Labcorp and Ambry Genetics); PubMed 27611364 (cited by Labcorp Genetics (formerly Invitae), Labcorp and Ambry Genetics).

NM_002474.3(MYH11):c.4578+1G>C

Genes: MYH11 (myosin heavy chain 11; minus strand), NDE1 (nudE neurodevelopment protein 1; plus strand). Cytogenetic location: 16p13.11.
Variant type: single nucleotide variant.
Coding change: c.4578+1G>C on transcript NM_002474.3 (MANE Select); the canonical splice donor site of the intron after coding-DNA position 4578, G replaced by C.
Molecular consequence: splice donor variant. On other transcripts: intron variant (2).
Genome position (GRCh38, 1-based): chr16:15,721,421, C>G on the plus strand (G>C on the coding strand, the complement: MYH11 is on the minus strand). VCF-style: chr16-15721421-C-G. GRCh37 (hg19) VCF-style: chr16-15815278-C-G.
Other names: c.948-2770C>G (NM_001143979.2, NM_017668.3); c.4578+1G>C (NM_022844.3); c.4599+1G>C (NM_001040114.2, NM_001040113.2).
Identifiers: ClinVar variation 581749 (VCV000581749.13), dbSNP rs397514037, ClinGen allele CA394854749.